The following is an entry in ClinVar:

NM_000051.4(ATM):c.3285-19T>C

Gene: ATM (ATM serine/threonine kinase; plus strand). Cytogenetic location: 11q22.3.
Variant type: single nucleotide variant.
Coding change: c.3285-19T>C on transcript NM_000051.4 (MANE Select); 19 bases into the intron before coding-DNA position 3285, T replaced by C.
Molecular consequence: intron variant.
Genome position (GRCh38, 1-based): chr11:108,279,472, T>C. VCF-style: chr11-108279472-T-C. GRCh37 (hg19) VCF-style: chr11-108150199-T-C.
Other names: c.3285-19T>C (NM_001351834.2).
Identifiers: ClinVar variation 925415 (VCV000925415.10), dbSNP rs749167327, ClinGen allele CA6265255.

ClinVar aggregate classification (germline): Likely benign. Review status: criteria provided, multiple submitters, no conflicts (2 of 4 stars). 3 submissions from 3 submitters: Likely benign (3). Last evaluated 2025-08-11.

Conditions:
Hereditary cancer-predisposing syndrome. Also called: Hereditary Cancer Syndrome; Hereditary neoplastic syndrome; Neoplastic Syndromes, Hereditary; Tumor predisposition. Identifiers: Orphanet 140162, MedGen C0027672, MeSH D009386, MONDO:0015356.
Familial cancer of breast. Also called: hereditary breast carcinoma; BREAST CANCER, FAMILIAL; Hereditary breast cancer. Identifiers: Orphanet 227535, MedGen C0346153, MONDO:0016419, OMIM 114480. Disease mechanism: loss of function.
Ataxia-telangiectasia syndrome (AT). Also called: Ataxia-telangiectasia, complementation group E; LOUIS-BAR SYNDROME; Cerebello-oculocutaneous telangiectasia; Immunodeficiency with ataxia telangiectasia; Ataxia-telangiectasia, complementation group D; AT, COMPLEMENTATION GROUP C. Identifiers: Orphanet 100, MedGen C0004135, MONDO:0008840, OMIM 208900.

Allele frequency attached by ClinVar (database versions not stated): gnomAD exomes below 0.00001 and 0.00001; TOPMed below 0.00001; ExAC 0.00002.
gnomAD v4.1: 2 of 1,532,134 alleles (0.00013%); highest among the groups gnomAD compares: Admixed American, 0.0036%; no homozygotes.

Submissions (3):

Labcorp Genetics (formerly Invitae), Labcorp
Classification: Likely benign for Ataxia-telangiectasia syndrome. Last evaluated: 2025-08-11. Review status: criteria provided, single submitter. Criteria: Invitae Variant Classification Sherloc (09022015). Collection method: clinical testing. Allele origin: germline.

Myriad Genetics, Inc.
Classification: Likely benign for Familial cancer of breast. Last evaluated: 2024-05-14. Review status: criteria provided, single submitter. Criteria: Myriad Autosomal Dominant, Autosomal Recessive and X-Linked Classification Criteria (2023). Collection method: clinical testing. Allele origin: unknown.
Comment: This variant is considered likely benign. This variant is intronic and is not expected to impact mRNA splicing.

Color Diagnostics, LLC DBA Color Health
Classification: Likely benign for Hereditary cancer-predisposing syndrome. Last evaluated: 2017-10-23. Review status: criteria provided, single submitter. Criteria: ACMG Guidelines, 2015. Collection method: clinical testing. Allele origin: germline.